The following is an entry in ClinVar:

ClinVar aggregate classification (germline): Uncertain significance (1 of 4 stars; one submission).

Conditions:
RFT1-congenital disorder of glycosylation (CDG1N). Also called: Congenital disorder of glycosylation type In; RFT1-CDG; CDG In. Identifiers: Orphanet 244310, MedGen C2677590, MONDO:0012783, OMIM 612015.

gnomAD v4.1: 2 of 1,567,212 alleles (0.00013%); highest among the groups gnomAD compares: Non-Finnish European, 0.000086%; no homozygotes.

Submission:

Labcorp Genetics (formerly Invitae), Labcorp
Classification: Uncertain significance for RFT1-congenital disorder of glycosylation. Last evaluated: 2022-06-03. Review status: criteria provided, single submitter. Criteria: Invitae Variant Classification Sherloc (09022015). Collection method: clinical testing. Allele origin: germline.
Comment: Variants that disrupt the consensus splice site are a relatively common cause of aberrant splicing (PMID: 17576681, 9536098). Algorithms developed to predict the effect of sequence changes on RNA splicing suggest that this variant is not likely to affect RNA splicing. This sequence change falls in intron 1 of the RFT1 gene. It does not directly change the encoded amino acid sequence of the RFT1 protein. It affects a nucleotide within the consensus splice site. This variant is not present in population databases (gnomAD no frequency). This variant has not been reported in the literature in individuals affected with RFT1-related conditions. ClinVar contains an entry for this variant (Variation ID: 1384116). In summary, the available evidence is currently insufficient to determine the role of this variant in disease. Therefore, it has been classified as a Variant of Uncertain Significance.

Literature cited by the submitters: PubMed 17576681; PubMed 9536098.

NM_052859.4(RFT1):c.63+4C>G

Genes: RFT1 (RFT1 glycolipid translocator homolog; minus strand), LOC129936883 (ATAC-STARR-seq lymphoblastoid active region 19954; plus strand). Cytogenetic location: 3p21.1.
Variant type: single nucleotide variant.
Coding change: c.63+4C>G on transcript NM_052859.4 (MANE Select); 4 bases into the intron after coding-DNA position 63, C replaced by G.
Molecular consequence: intron variant.
Genome position (GRCh38, 1-based): chr3:53,130,334, G>C on the plus strand (C>G on the coding strand, the complement: RFT1 is on the minus strand). VCF-style: chr3-53130334-G-C. GRCh37 (hg19) VCF-style: chr3-53164350-G-C.
Identifiers: ClinVar variation 1384116 (VCV001384116.6), dbSNP rs2107183082, ClinGen allele CA2573137246.
Genomic context (GRCh38, chr3:53,130,334, plus strand): 5'-CAAGGGCTGCCATCCCGCGAATCCCGGCTGCAGTACAAGCTGGAACCTGAAGGGCAGAGA[G>C]TACCTGCAGGAGGAGACCGGAGGAGGCCAGCCGGGCCGCGTGGCCCAGCACCTCCTGGCT-3'